The following is an entry in ClinVar:

ClinVar aggregate classification (germline): Benign/Likely benign. Review status: criteria provided, multiple submitters, no conflicts (2 of 4 stars). 13 submissions from 13 submitters: Benign (7); Likely benign (2). 4 of the submissions do not count toward it. Last evaluated 2026-01-28.

Conditions:
Autosomal recessive limb-girdle muscular dystrophy type 2A (LGMDR1). Also called: MUSCULAR DYSTROPHY, PELVOFEMORAL; LEYDEN-MOEBIUS MUSCULAR DYSTROPHY; Limb-girdle muscular dystrophy, type 2A; Calpainopathy; Muscular dystrophy, limb-girdle, type 2A, Amish. Identifiers: Orphanet 267, MedGen C1869123, MONDO:0009675, OMIM 253600. Disease mechanism: loss of function.

Allele frequency attached by ClinVar (database versions not stated): gnomAD 0.00829 and 0.00908; ESP Exome Variant Server 0.00892; 1000 Genomes Project 0.00899; 1000 Genomes Project 30x 0.00953; TOPMed 0.00942.
gnomAD v4.1: 2,551 of 1,614,140 alleles (0.16%); highest among the groups gnomAD compares: African/African-American, 3%; 37 homozygotes.

Submissions (13):

Labcorp Genetics (formerly Invitae), Labcorp
Classification: Benign for Autosomal recessive limb-girdle muscular dystrophy type 2A. Last evaluated: 2026-01-28. Review status: criteria provided, single submitter. Criteria: Invitae Variant Classification Sherloc (09022015). Collection method: clinical testing. Allele origin: germline.

Athena Diagnostics
Classification: Benign. Last evaluated: 2025-03-13. Review status: criteria provided, single submitter. Criteria: Athena Diagnostics Criteria. Collection method: clinical testing. Allele origin: unknown.
Comment: The frequency of this variant in the general population is higher than would generally be expected for pathogenic variants in this gene. Computational tools predict this amino acid change may be benign.

Women's Health and Genetics/Laboratory Corporation of America, LabCorp
Classification: Benign. Last evaluated: 2023-02-13. Review status: criteria provided, single submitter. Criteria: LabCorp Variant Classification Summary - May 2015. Collection method: clinical testing. Allele origin: germline.
Comment: Variant summary: CAPN3 c.2332G>A (p.Asp778Asn) results in a conservative amino acid change located in the penta-EF-hand domain (IPR029531) of the encoded protein sequence. Four of five in-silico tools predict a benign effect of the variant on protein function. The variant allele was found at a frequency of 0.0022 in 251396 control chromosomes, predominantly at a frequency of 0.031 within the African or African-American subpopulation in the gnomAD database, including 7 homozygotes. The observed variant frequency within African or African-American control individuals in the gnomAD database is approximately 10-fold of the estimated maximal expected allele frequency for a pathogenic variant in CAPN3 causing an autosomal recessive Limb-Girdle Muscular Dystrophy phenotype (0.0032), strongly suggesting that the variant is a benign polymorphism found primarily in populations of African or African-American origin. c.2332G>A has been reported in the literature in the compound heterozygous state in one individual affected with Limb-Girdle Muscular Dystrophy (Pathak_2021). This report does not provide unequivocal conclusions about association of the variant with Limb-Girdle Muscular Dystrophy. To our knowledge, no experimental evidence demonstrating an impact on protein function has been reported. Seven submitters have provided clinical-significance assessments for this variant to ClinVar after 2014. The majority classified the variant as benign (n=3)/likely benign (n=3) and one classified it as pathogenic. Based on the evidence outlined above, the variant was classified as benign.

Mayo Clinic Laboratories, Mayo Clinic
Classification: Benign. Last evaluated: 2019-07-25. Review status: criteria provided, single submitter. Criteria: ACMG Guidelines, 2015. Collection method: clinical testing. Allele origin: germline. Observed: 4 variant alleles.

Illumina Laboratory Services, Illumina
Classification: Likely benign for Limb-girdle muscular dystrophy, type 2A. Last evaluated: 2017-04-27. Review status: criteria provided, single submitter. Criteria: ICSL Variant Classification Criteria 13 December 2019. Collection method: clinical testing. Allele origin: germline.
Comment: This variant was observed as part of a predisposition screen in an ostensibly healthy population. A literature search was performed for the gene, cDNA change, and amino acid change (where applicable). No publications were found based on this search. Allele frequency data from public databases allowed determination this variant is unlikely to cause disease. Therefore, this variant is classified as likely benign.

GeneDx
Classification: Benign. Last evaluated: 2016-03-28. Review status: criteria provided, single submitter. Criteria: GeneDx Variant Classification (06012015). Collection method: clinical testing. Allele origin: germline. Affected: yes.
Comment: This variant is considered likely benign or benign based on one or more of the following criteria: it is a conservative change, it occurs at a poorly conserved position in the protein, it is predicted to be benign by multiple in silico algorithms, and/or has population frequency not consistent with disease.

Eurofins Ntd Llc (ga)
Classification: Benign. Last evaluated: 2012-08-23. Review status: criteria provided, single submitter. Criteria: EGL Classification Definitions 2015. Collection method: clinical testing. Allele origin: germline. Observed: 2 variant alleles, 2 heterozygotes.

Breakthrough Genomics
Classification: Likely benign. Review status: criteria provided, single submitter. Criteria: ACMG Guidelines, 2015. Collection method: not provided. Allele origin: germline. Inheritance: Autosomal recessive inheritance. Affected: yes.

PreventionGenetics, part of Exact Sciences
Classification: Benign. Review status: criteria provided, single submitter. Criteria: ACMG Guidelines, 2015. Collection method: clinical testing. Allele origin: germline.

Natera, Inc.
Classification: Likely benign for Limb-girdle muscular dystrophy type 2A. Last evaluated: 2019-11-11. Review status: no assertion criteria provided. Collection method: clinical testing. Allele origin: germline. Not counted in ClinVar's aggregate classification.

Counsyl
Classification: Likely benign for Autosomal recessive limb-girdle muscular dystrophy type 2A. Last evaluated: 2017-09-12. Review status: no assertion criteria provided. Collection method: clinical testing. Allele origin: unknown. Not counted in ClinVar's aggregate classification.

Foundation for Research in Genetics and Endocrinology, FRIGE's Institute of Human Genetics
Classification: Pathogenic for Autosomal recessive limb-girdle muscular dystrophy type 2A. Last evaluated: 2017-08-16. Review status: no assertion criteria provided. Collection method: clinical testing. Allele origin: germline. Inheritance: Autosomal recessive inheritance. Affected: yes. Observed: 1 variant allele, 1 homozygote. Not counted in ClinVar's aggregate classification.
Comment: This mutation has been reported in 1000 genomes and ExAC databases with minor allele frequency of 0.9% and 0.28%. The in silico prediction of this variant is damaging by Mutation Taster2.

Genetic Services Laboratory, University of Chicago
Classification: Likely benign for AllHighlyPenetrant. Review status: no assertion criteria provided. Collection method: clinical testing. Allele origin: germline. Inheritance: Autosomal recessive inheritance. Not counted in ClinVar's aggregate classification.
Comment: Likely benign based on allele frequency in 1000 Genomes Project or ESP global frequency and its presence in a patient with a rare or unrelated disease phenotype. NOT Sanger confirmed.

Literature cited by the submitters: PubMed 33337384 (cited by Athena Diagnostics and Women's Health and Genetics/Laboratory Corporation of America, LabCorp).

NM_000070.3(CAPN3):c.2332G>A (p.Asp778Asn)

Gene: CAPN3 (calpain 3; plus strand). Cytogenetic location: 15q15.1.
Variant type: single nucleotide variant.
Coding change: c.2332G>A on transcript NM_000070.3 (MANE Select); coding-DNA position 2332, G replaced by A.
Protein change: p.Asp778Asn; replaces aspartic acid 778 with asparagine.
Molecular consequence: missense variant.
Genome position (GRCh38, 1-based): chr15:42,410,952, G>A. VCF-style: chr15-42410952-G-A. GRCh37 (hg19) VCF-style: chr15-42703150-G-A.
Other names: c.2314G>A, p.Asp772Asn (NM_024344.2); c.2056G>A, p.Asp686Asn (NM_173087.2); c.796G>A, p.Asp266Asn (NM_173088.2); c.337G>A, p.Asp113Asn (NM_173089.2, NM_173090.2); short protein forms D778N, D266N, D686N, D772N, D113N.
Identifiers: ClinVar variation 92413 (VCV000092413.39), dbSNP rs115311625, ClinGen allele CA145718.